The following is an entry in ClinVar:

NM_002470.4(MYH3):c.4525G>T (p.Glu1509Ter)

Gene: MYH3 (myosin heavy chain 3; minus strand). Cytogenetic location: 17p13.1.
Variant type: single nucleotide variant.
Coding change: c.4525G>T on transcript NM_002470.4 (MANE Select); coding-DNA position 4525, G replaced by T.
Protein change: p.Glu1509Ter; replaces glutamic acid 1509 with a stop codon.
Molecular consequence: nonsense.
Genome position (GRCh38, 1-based): chr17:10,633,713, C>A on the plus strand (G>T on the coding strand, the complement: MYH3 is on the minus strand). VCF-style: chr17-10633713-C-A. GRCh37 (hg19) VCF-style: chr17-10537030-C-A.
Other names: short protein forms E1509*.
Identifiers: ClinVar variation 1708900 (VCV001708900.7), dbSNP rs2074186150, ClinGen allele CA398141822.

ClinVar aggregate classification (germline): Pathogenic/Likely pathogenic. Review status: criteria provided, multiple submitters, no conflicts (2 of 4 stars). 2 submissions from 2 submitters: Pathogenic (1); Likely pathogenic (1). Last evaluated 2025-10-02.

Allele frequency attached by ClinVar (database versions not stated): gnomAD 0.00001; TOPMed 0.00001.
gnomAD v4.1: 2 of 1,613,880 alleles (0.00012%); highest among the groups gnomAD compares: Admixed American, 0.0017%; no homozygotes.

Submissions (2):

Labcorp Genetics (formerly Invitae), Labcorp
Classification: Pathogenic. Last evaluated: 2025-10-02. Review status: criteria provided, single submitter. Criteria: Invitae Variant Classification Sherloc (09022015). Collection method: clinical testing. Allele origin: germline.
Comment: This sequence change creates a premature translational stop signal (p.Glu1509*) in the MYH3 gene. It is expected to result in an absent or disrupted protein product. Loss-of-function variants in MYH3 are known to be pathogenic (PMID: 29805041, 30008475). This variant is not present in population databases (gnomAD no frequency). This variant has not been reported in the literature in individuals affected with MYH3-related conditions. ClinVar contains an entry for this variant (Variation ID: 1708900). Algorithms developed to predict the effect of sequence changes on RNA splicing suggest that this variant may create or strengthen a splice site. For these reasons, this variant has been classified as Pathogenic.

GeneDx
Classification: Likely pathogenic. Last evaluated: 2022-10-03. Review status: criteria provided, single submitter. Criteria: GeneDx Variant Classification Process June 2021. Collection method: clinical testing. Allele origin: germline. Affected: yes.
Comment: Nonsense variant predicted to result in protein truncation or nonsense mediated decay in a gene for which loss of function is a known mechanism of disease; Not observed in large population cohorts (gnomAD); Has not been previously published as pathogenic or benign to our knowledge

Literature cited by the submitters: PubMed 29805041 (cited by Labcorp Genetics (formerly Invitae), Labcorp); PubMed 30008475 (cited by Labcorp Genetics (formerly Invitae), Labcorp).